The following is an entry in ClinVar:

NM_017841.4(SDHAF2):c.436AACAAA[1] (p.146NK[1])

Gene: SDHAF2 (succinate dehydrogenase complex assembly factor 2; plus strand). Cytogenetic location: 11q12.2.
Variant type: Microsatellite.
Coding change: c.436AACAAA[1] on transcript NM_017841.4 (MANE Select); one copy of the 6-base unit AACAAA starting at c.436; the reference has two copies in a row; one copy, 6 bases deleted.
Protein change: p.146NK[1].
Molecular consequence: inframe deletion.
Genome position (GRCh38, 1-based): chr11:61,446,012-61,446,017, AACAAA deleted; deleting any 6 consecutive bases within chr11:61,446,003-61,446,017 gives the same sequence; the position shown is the placement nearest the transcript's 3' end. VCF-style (leftmost placement, unchanged base first): chr11-61446002-TAAAAAC-T. GRCh37 (hg19) VCF-style: chr11-61213474-TAAAAAC-T.
Other names: c.442_447delAACAAA (NM_017841.2).
Identifiers: ClinVar variation 937235 (VCV000937235.8), dbSNP rs1862132626, ClinGen allele CA1977300956.
Genomic context (GRCh38, chr11:61,446,002, plus strand): 5'-AGCTAAACCAGCCCCAGAAATATTTGAAAATGAAGTCATGGCCCTGCTGAGAGACTTTGC[TAAAAAC>T]AAAAACAAAGAGCAGAGACTGCGTGCCCCAGATCTTGAGTACCTCTTTGAAAAGCCACGT-3'

ClinVar aggregate classification (germline): Uncertain significance. Review status: criteria provided, multiple submitters, no conflicts (2 of 4 stars). 2 submissions from 2 submitters: Uncertain significance (2). Last evaluated 2024-11-11.

Conditions:
Hereditary pheochromocytoma and paraganglioma. Also called: Hereditary pheochromocytoma-paraganglioma; Hereditary Paraganglioma-Pheochromocytoma Syndromes; Hereditary paragangliomas and pheochromocytomas. Identifiers: Orphanet 29072, MedGen C4274332, MONDO:0017366.
Hereditary cancer-predisposing syndrome. Also called: Hereditary neoplastic syndrome; Hereditary Cancer Syndrome; Tumor predisposition; Neoplastic Syndromes, Hereditary. Identifiers: Orphanet 140162, MedGen C0027672, MeSH D009386, MONDO:0015356.

Submissions (2):

Ambry Genetics
Classification: Uncertain significance for Hereditary cancer-predisposing syndrome. Last evaluated: 2024-11-11. Review status: criteria provided, single submitter. Criteria: Ambry Variant Classification Scheme 2023. Collection method: clinical testing. Allele origin: germline.
Comment: The c.442_447delAACAAA variant (also known as p.N148_K149del) is located in coding exon 4 of the SDHAF2 gene. This variant results from an in-frame AACAAA deletion at nucleotide positions 442 to 447. This results in the in-frame deletion of asparagine and lysine residues at codons 148-149. In addition, this alteration is predicted to be deleterious by in silico analysis (Choi Y et al. PLoS ONE. 2012; 7(10):e46688). Based on the available evidence, the clinical significance of this variant remains unclear.

Labcorp Genetics (formerly Invitae), Labcorp
Classification: Uncertain significance for Hereditary pheochromocytoma and paraganglioma. Last evaluated: 2023-07-31. Review status: criteria provided, single submitter. Criteria: Invitae Variant Classification Sherloc (09022015). Collection method: clinical testing. Allele origin: germline.
Comment: In summary, the available evidence is currently insufficient to determine the role of this variant in disease. Therefore, it has been classified as a Variant of Uncertain Significance. Experimental studies and prediction algorithms are not available or were not evaluated, and the functional significance of this variant is currently unknown. ClinVar contains an entry for this variant (Variation ID: 937235). This variant has not been reported in the literature in individuals affected with SDHAF2-related conditions. This variant is not present in population databases (gnomAD no frequency). This variant, c.442_447del, results in the deletion of 2 amino acid(s) of the SDHAF2 protein (p.Asn148_Lys149del), but otherwise preserves the integrity of the reading frame.